The following is an entry in ClinVar:

ClinVar aggregate classification (germline): Uncertain significance (1 of 4 stars; one submission).

Conditions:
Hereditary pheochromocytoma and paraganglioma. Also called: Hereditary paragangliomas and pheochromocytomas; Hereditary Paraganglioma-Pheochromocytoma Syndromes; Hereditary pheochromocytoma-paraganglioma. Identifiers: Orphanet 29072, MedGen C4274332, MONDO:0017366.

Submission:

Labcorp Genetics (formerly Invitae), Labcorp
Classification: Uncertain significance for Hereditary pheochromocytoma and paraganglioma. Last evaluated: 2024-09-14. Review status: criteria provided, single submitter. Criteria: Invitae Variant Classification Sherloc (09022015). Collection method: clinical testing. Allele origin: germline.
Comment: This sequence change replaces histidine, which is basic and polar, with arginine, which is basic and polar, at codon 81 of the MAX protein (p.His81Arg). This variant is not present in population databases (gnomAD no frequency). This variant has not been reported in the literature in individuals affected with MAX-related conditions. An algorithm developed to predict the effect of missense changes on protein structure and function (PolyPhen-2) suggests that this variant is likely to be tolerated. In summary, the available evidence is currently insufficient to determine the role of this variant in disease. Therefore, it has been classified as a Variant of Uncertain Significance.

NM_002382.5(MAX):c.242A>G (p.His81Arg)

Gene: MAX (MYC associated transcriptional regulator X; minus strand). Cytogenetic location: 14q23.3.
Variant type: single nucleotide variant.
Coding change: c.242A>G on transcript NM_002382.5 (MANE Select); coding-DNA position 242, A replaced by G.
Protein change: p.His81Arg; replaces histidine 81 with arginine.
Molecular consequence: missense variant. On other transcripts: 5 prime UTR variant (6), non-coding transcript variant (7), intron variant (2).
Genome position (GRCh38, 1-based): chr14:65,077,966, T>C on the plus strand (A>G on the coding strand, the complement: MAX is on the minus strand). VCF-style: chr14-65077966-T-C. GRCh37 (hg19) VCF-style: chr14-65544684-T-C.
Other names: c.-33A>G (NM_001320415.2, NM_001407105.1, NM_001407106.1 and 1 more transcripts); c.242A>G, p.His81Arg (NM_001407094.1, NM_001407096.1, NM_001407097.1 and 3 more transcripts); c.215A>G, p.His72Arg (NM_001407095.1, NM_001407099.1, NM_001407100.1 and 6 more transcripts); c.134A>G, p.His45Arg (NM_001407098.1); c.-126A>G (NM_001407111.1, NM_001407112.1); c.144+15742A>G (NM_001271069.2); c.171+15742A>G (NM_197957.4); short protein forms H45R, H72R, H81R.
Identifiers: ClinVar variation 3620070 (VCV003620070.2).
Genomic context (GRCh38, chr14:65,077,966, plus strand): 5'-TGCTCACCTTGCTGCTCCAGAAGAGCATTCTGCCGCTTGAGGTCGTCAATATCTTGCTGG[T>C]GTGTGTGGTTTTTCCTTCGCATATACTGGATATATTCTGTGGCTTTGTCTAGGATTTGGG-3'
Protein context (NP_002373.3, residues 71-91): IQYMRRKNHT[His81Arg]QQDIDDLKRQ